The following is an entry in ClinVar:

ClinVar aggregate classification (germline): Uncertain significance (1 of 4 stars; one submission).

gnomAD v4.1: 71 of 1,304,082 alleles (0.0054%); highest among the groups gnomAD compares: South Asian, 0.085%; 1 homozygote.

Submission:

Labcorp Genetics (formerly Invitae), Labcorp
Classification: Uncertain significance. Last evaluated: 2024-08-06. Review status: criteria provided, single submitter. Criteria: Invitae Variant Classification Sherloc (09022015). Collection method: clinical testing. Allele origin: germline.
Comment: This sequence change replaces aspartic acid, which is acidic and polar, with asparagine, which is neutral and polar, at codon 767 of the ERCC6L2 protein (p.Asp767Asn). This variant is present in population databases (rs766051968, gnomAD 0.09%), including at least one homozygous and/or hemizygous individual. This variant has not been reported in the literature in individuals affected with ERCC6L2-related conditions. Experimental studies and prediction algorithms are not available or were not evaluated, and the functional significance of this variant is currently unknown. In summary, the available evidence is currently insufficient to determine the role of this variant in disease. Therefore, it has been classified as a Variant of Uncertain Significance.

NM_020207.7(ERCC6L2):c.2266G>A (p.Asp756Asn)

Gene: ERCC6L2 (ERCC excision repair 6 like 2; plus strand). Cytogenetic location: 9q22.32.
Variant type: single nucleotide variant.
Coding change: c.2266G>A on transcript NM_020207.7 (MANE Select); coding-DNA position 2266, G replaced by A.
Protein change: p.Asp756Asn; replaces aspartic acid 756 with asparagine.
Molecular consequence: missense variant. On other transcripts: non-coding transcript variant (1).
Genome position (GRCh38, 1-based): chr9:95,972,017, G>A. VCF-style: chr9-95972017-G-A. GRCh37 (hg19) VCF-style: chr9-98734299-G-A.
Other names: c.2266G>A, p.Asp756Asn (NM_001375291.1, NM_001375292.1, NM_001375293.1 and 1 more transcripts); short protein forms D756N.
Identifiers: ClinVar variation 3687710 (VCV003687710.1).
Genomic context (GRCh38, chr9:95,972,017, plus strand): 5'-TGCAGAGGTACAGAACAAGCTGCAGAGCCACTGGCAAAGGAAGCATGTGATCTCTGCAGT[G>A]ACTTCAGTGATGAAGAGCCAGTGGGAGCCACAGGAATAAAGACTGCCAAAAACAAAGCAC-3'
Protein context (NP_064592.3, residues 746-766): LAKEACDLCS[Asp756Asn]FSDEEPVGAT